The following is an entry in ClinVar:

ClinVar aggregate classification (germline): Likely benign. Review status: criteria provided, multiple submitters, no conflicts (2 of 4 stars). 2 submissions from 2 submitters: Likely benign (2). Last evaluated 2025-02-12.

Conditions:
BBS7-related disorder. Also called: BBS7-related condition.
Bardet-Biedl syndrome (BBS). Identifiers: Orphanet 110, MedGen C0752166, MONDO:0015229.

Allele frequency attached by ClinVar (database versions not stated): TOPMed below 0.00001.

Submissions (2):

PreventionGenetics, part of Exact Sciences
Classification: Likely benign for BBS7-related condition. Last evaluated: 2025-02-12. Review status: criteria provided, single submitter. Criteria: ACMG Guidelines, 2015. Collection method: clinical testing. Allele origin: germline.
Comment: This variant is classified as likely benign based on ACMG/AMP sequence variant interpretation guidelines (Richards et al. 2015 PMID: 25741868, with internal and published modifications).

Labcorp Genetics (formerly Invitae), Labcorp
Classification: Likely benign for Bardet-Biedl syndrome. Last evaluated: 2023-04-20. Review status: criteria provided, single submitter. Criteria: Invitae Variant Classification Sherloc (09022015). Collection method: clinical testing. Allele origin: germline.

NM_176824.3(BBS7):c.33G>A (p.Leu11=)

Genes: BBS7 (Bardet-Biedl syndrome 7; minus strand), LOC129993036 (ATAC-STARR-seq lymphoblastoid active region 21872; plus strand). Cytogenetic location: 4q27.
Variant type: single nucleotide variant.
Coding change: c.33G>A on transcript NM_176824.3 (MANE Select); coding-DNA position 33, G replaced by A.
Protein change: p.Leu11=; no amino-acid change (leucine 11 retained).
Molecular consequence: synonymous variant.
Genome position (GRCh38, 1-based): chr4:121,870,281, C>T on the plus strand (G>A on the coding strand, the complement: BBS7 is on the minus strand). VCF-style: chr4-121870281-C-T. GRCh37 (hg19) VCF-style: chr4-122791436-C-T.
Other names: c.33G>A, p.Leu11= (NM_018190.4); c.33G>A (NM_176824.2).
Identifiers: ClinVar variation 3020049 (VCV003020049.4), dbSNP rs1727515007, ClinGen allele CA440913082.